The following is an entry in ClinVar:

NM_002349.4(LY75):c.3096G>A (p.Thr1032=)

Genes: LY75 (lymphocyte antigen 75; minus strand), LY75-CD302 (LY75-CD302 readthrough; minus strand). Cytogenetic location: 2q24.2.
Variant type: single nucleotide variant.
Coding change: c.3096G>A on transcript NM_002349.4 (MANE Select); coding-DNA position 3096, G replaced by A.
Protein change: p.Thr1032=; no amino-acid change (threonine 1032 retained).
Molecular consequence: synonymous variant.
Genome position (GRCh38, 1-based): chr2:159,850,034, C>T on the plus strand (G>A on the coding strand, the complement: LY75 is on the minus strand). VCF-style: chr2-159850034-C-T. GRCh37 (hg19) VCF-style: chr2-160706545-C-T.
Other names: c.3096G>A, p.Thr1032= (NM_001198759.1, NM_001198760.1).
Identifiers: ClinVar variation 2651460 (VCV002651460.24), dbSNP rs114924959, ClinGen allele CA1926642.

ClinVar aggregate classification (germline): Likely benign (1 of 4 stars; one submission).

Allele frequency attached by ClinVar (database versions not stated): 1000 Genomes Project 0.00080; 1000 Genomes Project 30x 0.00094; ExAC 0.00124; gnomAD 0.00142; ESP Exome Variant Server 0.00169; gnomAD exomes 0.00243.
gnomAD v4.1: 3,766 of 1,613,958 alleles (0.23%); highest among the groups gnomAD compares: Non-Finnish European, 0.29%; 7 homozygotes.

Submission:

CeGaT Center for Human Genetics Tuebingen
Classification: Likely benign. Last evaluated: 2023-04-01. Review status: criteria provided, single submitter. Criteria: CeGaT Center For Human Genetics Tuebingen Variant Classification Criteria Version 2. Collection method: clinical testing. Allele origin: germline. Affected: yes. Observed: 1 variant allele.
Comment: LY75: BP4, BP7; LY75-CD302: BP4, BP7